The following is an entry in ClinVar:

NM_001693.4(ATP6V1B2):c.705+7A>T

Gene: ATP6V1B2 (ATPase H+ transporting V1 subunit B2; plus strand). Cytogenetic location: 8p21.3.
Variant type: single nucleotide variant.
Coding change: c.705+7A>T on transcript NM_001693.4 (MANE Select); 7 bases into the intron after coding-DNA position 705, A replaced by T.
Molecular consequence: intron variant.
Genome position (GRCh38, 1-based): chr8:20,211,760, A>T. VCF-style: chr8-20211760-A-T. GRCh37 (hg19) VCF-style: chr8-20069271-A-T.
Identifiers: ClinVar variation 3047242 (VCV003047242.2), dbSNP rs541896931, ClinGen allele CA4656927.

ClinVar aggregate classification (germline): Likely benign (0 of 4 stars; one submission).

Conditions:
ATP6V1B2-related disorder. Also called: ATP6V1B2-related condition.

Allele frequency attached by ClinVar (database versions not stated): gnomAD exomes 0.00004; ExAC 0.00021; 1000 Genomes Project 0.00040; TOPMed 0.00047; gnomAD 0.00052.

Submission:

PreventionGenetics, part of Exact Sciences
Classification: Likely benign for ATP6V1B2-related condition. Last evaluated: 2019-04-08. Review status: no assertion criteria provided. Collection method: clinical testing. Allele origin: germline.
Comment: This variant is classified as likely benign based on ACMG/AMP sequence variant interpretation guidelines (Richards et al. 2015 PMID: 25741868, with internal and published modifications).